The following is an entry in ClinVar:

ClinVar aggregate classification (germline): Conflicting classifications of pathogenicity. Review status: criteria provided, conflicting classifications (1 of 4 stars). 2 submissions from 2 submitters: Uncertain significance (1); Likely benign (1). Last evaluated 2026-03-09.

Conditions:
KMT2D-related disorder. Also called: KMT2D-Related Disorders.
Kabuki syndrome. Also called: Kabuki make-up syndrome; NIIKAWA-KUROKI SYNDROME. Identifiers: Orphanet 2322, MedGen C0796004, MONDO:0016512.

gnomAD v4.1: 2 of 1,587,030 alleles (0.00013%); highest among the groups gnomAD compares: Non-Finnish European, 0.00017%; no homozygotes.

Submissions (2):

PreventionGenetics, part of Exact Sciences
Classification: Uncertain significance for KMT2D-related condition. Last evaluated: 2026-03-09. Review status: criteria provided, single submitter. Criteria: ACMG Guidelines, 2015. Collection method: clinical testing. Allele origin: germline.
Comment: The KMT2D c.6400G>A variant is predicted to result in the amino acid substitution p.Gly2134Ser. To our knowledge, this variant has not been reported in the literature. This variant is reported in 0.0066% of alleles in individuals of European (Non-Finnish) descent in gnomAD. At this time, the clinical significance of this variant is uncertain due to the absence of conclusive functional and genetic evidence.

Labcorp Genetics (formerly Invitae), Labcorp
Classification: Likely benign for Kabuki syndrome. Last evaluated: 2024-08-15. Review status: criteria provided, single submitter. Criteria: Invitae Variant Classification Sherloc (09022015). Collection method: clinical testing. Allele origin: germline.

NM_003482.4(KMT2D):c.6400G>A (p.Gly2134Ser)

Gene: KMT2D (lysine methyltransferase 2D; minus strand). Cytogenetic location: 12q13.12.
Variant type: single nucleotide variant.
Coding change: c.6400G>A on transcript NM_003482.4 (MANE Select); coding-DNA position 6400, G replaced by A.
Protein change: p.Gly2134Ser; replaces glycine 2134 with serine.
Molecular consequence: missense variant.
Genome position (GRCh38, 1-based): chr12:49,041,370, C>T on the plus strand (G>A on the coding strand, the complement: KMT2D is on the minus strand). VCF-style: chr12-49041370-C-T. GRCh37 (hg19) VCF-style: chr12-49435153-C-T.
Other names: short protein forms G2134S.
Identifiers: ClinVar variation 3702749 (VCV003702749.3).
Genomic context (GRCh38, chr12:49,041,370, plus strand): 5'-CAGGGCCAGGCACCGAGCCCGCCGGCGGCTTCAGGAACCCGTCCGCAGAGGTAGACAAGC[C>T]GGCGGGGGTAGTGGGGCTGCCAATGAAAATGGTGGGGGCAGCAGCGGGGGGCGGGCTGCC-3'
Protein context (NP_003473.3, residues 2124-2144): IFIGSPTTPA[Gly2134Ser]LSTSADGFLK